The following is an entry in ClinVar:

ClinVar aggregate classification (germline): Benign (1 of 4 stars; one submission).

Conditions:
PPIP5K2-related disorder. Also called: PPIP5K2-related condition.

Submission:

PreventionGenetics, part of Exact Sciences
Classification: Benign for PPIP5K2-related condition. Last evaluated: 2019-12-11. Review status: criteria provided, single submitter. Criteria: ACMG Guidelines, 2015. Collection method: clinical testing. Allele origin: germline.
Comment: This variant is classified as benign based on ACMG/AMP sequence variant interpretation guidelines (Richards et al. 2015 PMID: 25741868, with internal and published modifications).

NM_001276277.3(PPIP5K2):c.3482C>T (p.Thr1161Ile)

Gene: PPIP5K2 (diphosphoinositol pentakisphosphate kinase 2; plus strand). Cytogenetic location: 5q21.1.
Variant type: single nucleotide variant.
Coding change: c.3482C>T on transcript NM_001276277.3 (MANE Select); coding-DNA position 3482, C replaced by T.
Protein change: p.Thr1161Ile; replaces threonine 1161 with isoleucine.
Molecular consequence: missense variant.
Genome position (GRCh38, 1-based): chr5:103,190,971, C>T. VCF-style: chr5-103190971-C-T. GRCh37 (hg19) VCF-style: chr5-102526672-C-T.
Other names: c.3587C>T, p.Thr1196Ile (NM_001281471.3); c.3308C>T, p.Thr1103Ile (NM_001345871.2); c.3353C>T, p.Thr1118Ile (NM_001345872.2); c.3479C>T, p.Thr1160Ile (NM_001345873.2); c.3245C>T, p.Thr1082Ile (NM_001345874.2); c.3125C>T, p.Thr1042Ile (NM_001345875.2); c.3299C>T, p.Thr1100Ile (NM_001345876.2); c.3122C>T, p.Thr1041Ile (NM_001345877.2); and 2 more; short protein forms T1041I, T1042I, T1082I, T1099I, T1100I, T1103I, T1118I, T1140I.
Identifiers: ClinVar variation 3055970 (VCV003055970.1), dbSNP rs2536842955, ClinGen allele CA360595691.